The following is an entry in ClinVar:

NM_001036.6(RYR3):c.5827G>A (p.Glu1943Lys)

Gene: RYR3 (ryanodine receptor 3; plus strand). Cytogenetic location: 15q14.
Variant type: single nucleotide variant.
Coding change: c.5827G>A on transcript NM_001036.6 (MANE Select); coding-DNA position 5827, G replaced by A.
Protein change: p.Glu1943Lys; replaces glutamic acid 1943 with lysine.
Molecular consequence: missense variant.
Genome position (GRCh38, 1-based): chr15:33,670,523, G>A. VCF-style: chr15-33670523-G-A. GRCh37 (hg19) VCF-style: chr15-33962724-G-A.
Other names: c.5827G>A (NM_001036.3); c.5827G>A, p.Glu1943Lys (NM_001243996.4); short protein forms E1943K.
Identifiers: ClinVar variation 935593 (VCV000935593.10), dbSNP rs752171274, ClinGen allele CA268545102.

ClinVar aggregate classification (germline): Uncertain significance. Review status: criteria provided, multiple submitters, no conflicts (2 of 4 stars). 2 submissions from 2 submitters: Uncertain significance (2). Last evaluated 2024-08-28.

Conditions:
Epileptic encephalopathy. Identifiers: MedGen C0543888, HP:0200134.

Allele frequency attached by ClinVar (database versions not stated): gnomAD exomes below 0.00001 and 0.00010; gnomAD 0.00001; TOPMed 0.00001.
gnomAD v4.1: 142 of 1,599,562 alleles (0.0089%); highest among the groups gnomAD compares: Non-Finnish European, 0.012%; no homozygotes.

Submissions (2):

Ambry Genetics
Classification: Uncertain significance. Last evaluated: 2024-08-28. Review status: criteria provided, single submitter. Criteria: Ambry Variant Classification Scheme 2023. Collection method: clinical testing. Allele origin: germline.

Labcorp Genetics (formerly Invitae), Labcorp
Classification: Uncertain significance for Epileptic encephalopathy. Last evaluated: 2022-08-23. Review status: criteria provided, single submitter. Criteria: Invitae Variant Classification Sherloc (09022015). Collection method: clinical testing. Allele origin: germline.
Comment: This variant is present in population databases (rs752171274, gnomAD 0.0009%). This variant has not been reported in the literature in individuals affected with RYR3-related conditions. ClinVar contains an entry for this variant (Variation ID: 935593). Algorithms developed to predict the effect of missense changes on protein structure and function output the following: SIFT: "Tolerated"; PolyPhen-2: "Benign"; Align-GVGD: "Class C0". The lysine amino acid residue is found in multiple mammalian species, which suggests that this missense change does not adversely affect protein function. In summary, the available evidence is currently insufficient to determine the role of this variant in disease. Therefore, it has been classified as a Variant of Uncertain Significance. This sequence change replaces glutamic acid, which is acidic and polar, with lysine, which is basic and polar, at codon 1943 of the RYR3 protein (p.Glu1943Lys).